The following is an entry in ClinVar:

NM_033159.4(HYAL1):c.449G>A (p.Arg150His)

Gene: HYAL1 (hyaluronidase 1; minus strand). Cytogenetic location: 3p21.31.
Variant type: single nucleotide variant.
Coding change: c.449G>A on transcript NM_033159.4 (MANE Select); coding-DNA position 449, G replaced by A.
Protein change: p.Arg150His; replaces arginine 150 with histidine.
Molecular consequence: missense variant. On other transcripts: 5 prime UTR variant (1), non-coding transcript variant (1), intron variant (1).
Genome position (GRCh38, 1-based): chr3:50,302,508, C>T on the plus strand (G>A on the coding strand, the complement: HYAL1 is on the minus strand). VCF-style: chr3-50302508-C-T. GRCh37 (hg19) VCF-style: chr3-50339939-C-T.
Other names: c.449G>A (NM_153281.1); c.449G>A, p.Arg150His (NM_153281.2, NM_153282.3); c.-98G>A (NM_153283.3); c.-26-303G>A (NM_153285.3); short protein forms R150H.
Identifiers: ClinVar variation 1451047 (VCV001451047.7), dbSNP rs782788446, ClinGen allele CA2415945.

ClinVar aggregate classification (germline): Uncertain significance. Review status: criteria provided, multiple submitters, no conflicts (2 of 4 stars). 3 submissions from 3 submitters: Uncertain significance (3). Last evaluated 2024-11-24.

Conditions:
Deficiency of hyaluronoglucosaminidase (MPS9). Also called: HYALURONIDASE DEFICIENCY; Mucopolysaccharidosis type 9; MPS IX. Identifiers: Orphanet 67041, MedGen C1291490, MONDO:0011093, OMIM 601492.

Allele frequency attached by ClinVar (database versions not stated): ExAC 0.00001; gnomAD exomes 0.00001 and 0.00002; TOPMed 0.00002.
gnomAD v4.1: 13 of 1,614,192 alleles (0.00081%); highest among the groups gnomAD compares: Middle Eastern, 0.017%; no homozygotes.

Submissions (3):

Ambry Genetics
Classification: Uncertain significance. Last evaluated: 2024-11-24. Review status: criteria provided, single submitter. Criteria: Ambry Variant Classification Scheme 2023. Collection method: clinical testing. Allele origin: germline.

Labcorp Genetics (formerly Invitae), Labcorp
Classification: Uncertain significance for Deficiency of hyaluronoglucosaminidase. Last evaluated: 2024-10-21. Review status: criteria provided, single submitter. Criteria: Invitae Variant Classification Sherloc (09022015). Collection method: clinical testing. Allele origin: germline.
Comment: This sequence change replaces arginine, which is basic and polar, with histidine, which is basic and polar, at codon 150 of the HYAL1 protein (p.Arg150His). This variant is present in population databases (rs782788446, gnomAD 0.006%). This variant has not been reported in the literature in individuals affected with HYAL1-related conditions. ClinVar contains an entry for this variant (Variation ID: 1451047). An algorithm developed to predict the effect of missense changes on protein structure and function outputs the following: PolyPhen-2: "Benign". The histidine amino acid residue is found in multiple mammalian species, which suggests that this missense change does not adversely affect protein function. In summary, the available evidence is currently insufficient to determine the role of this variant in disease. Therefore, it has been classified as a Variant of Uncertain Significance.

Breakthrough Genomics
Classification: Uncertain significance. Review status: criteria provided, single submitter. Criteria: ACMG Guidelines, 2015. Collection method: not provided. Allele origin: germline. Inheritance: Autosomal recessive inheritance. Affected: yes.